The following is an entry in ClinVar:

ClinVar aggregate classification (germline): Likely benign (1 of 4 stars; one submission).

gnomAD v4.1: 6 of 1,613,844 alleles (0.00037%); highest among the groups gnomAD compares: African/African-American, 0.0067%; no homozygotes.

Submission:

CeGaT Center for Human Genetics Tuebingen
Classification: Likely benign. Last evaluated: 2025-11-01. Review status: criteria provided, single submitter. Criteria: CeGaT Center For Human Genetics Tuebingen Variant Classification Criteria Version 2. Collection method: clinical testing. Allele origin: germline. Affected: yes. Observed: 1 variant allele.
Comment: KCNB2: BP4

NM_004770.3(KCNB2):c.2243C>T (p.Thr748Ile)

Gene: KCNB2 (potassium voltage-gated channel subfamily B member 2; plus strand). Cytogenetic location: 8q21.11.
Variant type: single nucleotide variant.
Coding change: c.2243C>T on transcript NM_004770.3 (MANE Select); coding-DNA position 2243, C replaced by T.
Protein change: p.Thr748Ile; replaces threonine 748 with isoleucine.
Molecular consequence: missense variant.
Genome position (GRCh38, 1-based): chr8:72,937,598, C>T. VCF-style: chr8-72937598-C-T. GRCh37 (hg19) VCF-style: chr8-73849833-C-T.
Other names: short protein forms T748I.
Identifiers: ClinVar variation 4535244 (VCV004535244.6).